The following is an entry in ClinVar:

NM_002474.3(MYH11):c.3371A>T (p.Gln1124Leu)

Gene: MYH11 (myosin heavy chain 11; minus strand). Cytogenetic location: 16p13.11.
Variant type: single nucleotide variant.
Coding change: c.3371A>T on transcript NM_002474.3 (MANE Select); coding-DNA position 3371, A replaced by T.
Protein change: p.Gln1124Leu; replaces glutamine 1124 with leucine.
Molecular consequence: missense variant.
Genome position (GRCh38, 1-based): chr16:15,735,501, T>A on the plus strand (A>T on the coding strand, the complement: MYH11 is on the minus strand). VCF-style: chr16-15735501-T-A. GRCh37 (hg19) VCF-style: chr16-15829358-T-A.
Other names: c.3392A>T, p.Gln1131Leu (NM_001040113.2, NM_001040114.2); c.3371A>T, p.Gln1124Leu (NM_022844.3); short protein forms Q1124L, Q1131L.
Identifiers: ClinVar variation 3387196 (VCV003387196.1).
Genomic context (GRCh38, chr16:15,735,501, plus strand): 5'-AGGTCTCGCTTCTGCTTTTCAGCCTTGTTCCTGGCGGCCCGCTCTGAGTCCAGGTCCTCC[T>A]GGAGGTCTGAGATGTGGCCCTCCAGCTCCCGGATCTTCTTCAGGGCATTGTTCTTCTGAG-3'
Protein context (NP_002465.1, residues 1114-1134): RELEGHISDL[Gln1124Leu]EDLDSERAAR

ClinVar aggregate classification (germline): Uncertain significance (1 of 4 stars; one submission).

Conditions:
Familial thoracic aortic aneurysm and aortic dissection (TAAD). Also called: Thoracic aortic aneurysms and dissections. Identifiers: Orphanet 91387, MedGen C4707243, MONDO:0019625.

Submission:

All of Us Research Program, National Institutes of Health
Classification: Uncertain significance for Familial thoracic aortic aneurysm and aortic dissection. Last evaluated: 2024-08-06. Review status: criteria provided, single submitter. Criteria: ACMG Guidelines, 2015. Collection method: clinical testing. Allele origin: germline. Inheritance: Autosomal dominant inheritance. Observed: 1 variant allele, 1 heterozygote.
Comment: This study involves interpretation of variants in research participants for the purpose of population health screening. Participant phenotype was not available at the time of variant classification. Additional details can be found in publication PMID: 35346344, PMCID: PMC8962531